The following is an entry in ClinVar:

NM_020812.4(DOCK6):c.2391T>A (p.Ile797=)

Gene: DOCK6 (dedicator of cytokinesis 6; minus strand). Cytogenetic location: 19p13.2.
Variant type: single nucleotide variant.
Coding change: c.2391T>A on transcript NM_020812.4 (MANE Select); coding-DNA position 2391, T replaced by A.
Protein change: p.Ile797=; no amino-acid change (isoleucine 797 retained).
Molecular consequence: synonymous variant.
Genome position (GRCh38, 1-based): chr19:11,236,347, A>T on the plus strand (T>A on the coding strand, the complement: DOCK6 is on the minus strand). VCF-style: chr19-11236347-A-T. GRCh37 (hg19) VCF-style: chr19-11347023-A-T.
Other names: c.2391T>A, p.Ile797= (NM_001367830.1).
Identifiers: ClinVar variation 2082972 (VCV002082972.6), dbSNP rs539690413, ClinGen allele CA9207651.
Genomic context (GRCh38, chr19:11,236,347, plus strand): 5'-CTCAGGACTGAGAAGCCATGTGGATGGGGAAACTGAGGTCTGAGGCCACATTCGCTTACC[A>T]ATCTGGCCACTGATGATCGGGGGCCTGATGACCAGACGCACGAGCTTGTCCAGCACGTGG-3'
Protein context (NP_065863.2, residues 787-807): VIRPPIISGQ[Ile797=]VNLGRGAFEA

ClinVar aggregate classification (germline): Conflicting classifications of pathogenicity. Review status: criteria provided, conflicting classifications (1 of 4 stars). 2 submissions from 2 submitters: Uncertain significance (1); Likely benign (1). Last evaluated 2025-12-01.

Allele frequency attached by ClinVar (database versions not stated): ExAC 0.00005; gnomAD 0.00007; 1000 Genomes Project 0.00020; 1000 Genomes Project 30x 0.00031.
gnomAD v4.1: 68 of 1,549,354 alleles (0.0044%); highest among the groups gnomAD compares: Admixed American, 0.017%; no homozygotes.

Submissions (2):

CeGaT Center for Human Genetics Tuebingen
Classification: Likely benign. Last evaluated: 2025-12-01. Review status: criteria provided, single submitter. Criteria: CeGaT Center For Human Genetics Tuebingen Variant Classification Criteria Version 2. Collection method: clinical testing. Allele origin: germline. Affected: yes. Observed: 1 variant allele.
Comment: DOCK6: BP4, BP7

Labcorp Genetics (formerly Invitae), Labcorp
Classification: Uncertain significance. Last evaluated: 2022-11-01. Review status: criteria provided, single submitter. Criteria: Invitae Variant Classification Sherloc (09022015). Collection method: clinical testing. Allele origin: germline.
Comment: This sequence change affects codon 797 of the DOCK6 mRNA. It is a 'silent' change, meaning that it does not change the encoded amino acid sequence of the DOCK6 protein. It affects a nucleotide within the consensus splice site. This variant is present in population databases (rs539690413, gnomAD 0.01%). This variant has not been reported in the literature in individuals affected with DOCK6-related conditions. Algorithms developed to predict the effect of sequence changes on RNA splicing suggest that this variant is not likely to affect RNA splicing. In summary, the available evidence is currently insufficient to determine the role of this variant in disease. Therefore, it has been classified as a Variant of Uncertain Significance.